The following is an entry in ClinVar:

ClinVar aggregate classification (germline): Likely benign. Review status: criteria provided, multiple submitters, no conflicts (2 of 4 stars). 3 submissions from 3 submitters: Likely benign (3). Last evaluated 2026-04-07.

Conditions:
PLEC-related disorder. Also called: PLEC-related disorders; PLEC-related condition.
Epidermolysis bullosa simplex with nail dystrophy (EBS5D). Identifiers: MedGen C4225309, MONDO:0014661, OMIM 616487.
Autosomal recessive limb-girdle muscular dystrophy type 2Q (LGMDR17). Also called: MUSCULAR DYSTROPHY, LIMB-GIRDLE, AUTOSOMAL RECESSIVE 17. Identifiers: Orphanet 254361, MedGen C3150989, MONDO:0013390, OMIM 613723.
Epidermolysis bullosa simplex, Ogna type (EBS5A). Also called: Pidermolysis bullosa simplex 5A, Ogna type; EPIDERMOLYSIS BULLOSA SIMPLEX 5A, OGNA TYPE. Identifiers: Orphanet 79401, MedGen C0432317, MONDO:0007555, OMIM 131950.
Epidermolysis bullosa simplex 5C, with pyloric atresia (EBS5C). Also called: PLEC-Related Epidermolysis Bullosa with Pyloric Atresia; Epidermolysis bullosa simplex with pyloric atresia; PLEC1-Related Epidermolysis Bullosa with Pyloric Atresia. Identifiers: Orphanet 158684, MedGen C2677349, MONDO:0012807, OMIM 612138.
Epidermolysis bullosa simplex 5B, with muscular dystrophy (EBS5B). Also called: EPIDERMOLYSIS BULLOSA SIMPLEX AND LIMB-GIRDLE MUSCULAR DYSTROPHY; Epidermolysis bullosa simplex with muscular dystrophy. Identifiers: Orphanet 257, MedGen C2931072, MONDO:0009181, OMIM 226670.

Allele frequency attached by ClinVar (database versions not stated): TOPMed below 0.00001; gnomAD 0.00001 and 0.00003; gnomAD exomes 0.00003; ExAC 0.00004; 1000 Genomes Project 0.00020; 1000 Genomes Project 30x 0.00031.
gnomAD v4.1: 31 of 1,591,088 alleles (0.0019%); highest among the groups gnomAD compares: East Asian, 0.02%; no homozygotes.

Submissions (3):

PreventionGenetics, part of Exact Sciences
Classification: Likely benign for PLEC-related condition. Last evaluated: 2026-04-07. Review status: criteria provided, single submitter. Criteria: ACMG Guidelines, 2015. Collection method: clinical testing. Allele origin: germline.
Comment: This variant is classified as likely benign based on ACMG/AMP sequence variant interpretation guidelines (Richards et al. 2015 PMID: 25741868, with internal and published modifications).

Labcorp Genetics (formerly Invitae), Labcorp
Classification: Likely benign for Autosomal recessive limb-girdle muscular dystrophy type 2Q; Epidermolysis bullosa simplex, Ogna type; Epidermolysis bullosa simplex with nail dystrophy; Epidermolysis bullosa simplex 5C, with pyloric atresia; Epidermolysis bullosa simplex 5B, with muscular dystrophy. Last evaluated: 2025-09-21. Review status: criteria provided, single submitter. Criteria: Invitae Variant Classification Sherloc (09022015). Collection method: clinical testing. Allele origin: germline.

Blueprint Genetics
Classification: Likely benign. Last evaluated: 2024-11-18. Review status: criteria provided, single submitter. Criteria: ACMG Guidelines, 2015. Collection method: clinical testing. Allele origin: germline.

NM_201384.3(PLEC):c.2083-6C>T

Gene: PLEC (plectin; minus strand). Cytogenetic location: 8q24.3.
Variant type: single nucleotide variant.
Coding change: c.2083-6C>T on transcript NM_201384.3 (MANE Select); 6 bases into the intron before coding-DNA position 2083, C replaced by T.
Molecular consequence: intron variant.
Genome position (GRCh38, 1-based): chr8:143,932,038, G>A on the plus strand (C>T on the coding strand, the complement: PLEC is on the minus strand). VCF-style: chr8-143932038-G-A. GRCh37 (hg19) VCF-style: chr8-145006206-G-A.
Other names: c.2494-6C>T (NM_201380.4); c.1987-6C>T (NM_201381.3); c.2083-6C>T (NM_201382.4); c.2095-6C>T (NM_201383.3); c.2164-6C>T (NM_000445.5, NM_000445.4); c.2041-6C>T (NM_201378.4); c.2017-6C>T (NM_201379.3).
Identifiers: ClinVar variation 1143223 (VCV001143223.9), dbSNP rs371680770, ClinGen allele CA4927657.